The following is an entry in ClinVar:

ClinVar aggregate classification (germline): Pathogenic (1 of 4 stars; one submission).

Conditions:
Primary ciliary dyskinesia. Also called: Ciliary dyskinesia. Identifiers: Orphanet 244, MedGen C0008780, MONDO:0016575, HP:0012265.

Allele frequency attached by ClinVar (database versions not stated): TOPMed below 0.00001.

Submission:

Labcorp Genetics (formerly Invitae), Labcorp
Classification: Pathogenic for Primary ciliary dyskinesia. Last evaluated: 2025-08-12. Review status: criteria provided, single submitter. Criteria: Invitae Variant Classification Sherloc (09022015). Collection method: clinical testing. Allele origin: germline.
Comment: This sequence change creates a premature translational stop signal (p.Gln527*) in the CCDC39 gene. It is expected to result in an absent or disrupted protein product. Loss-of-function variants in CCDC39 are known to be pathogenic (PMID: 21131972, 23255504). This variant is not present in population databases (gnomAD no frequency). This variant has not been reported in the literature in individuals affected with CCDC39-related conditions. ClinVar contains an entry for this variant (Variation ID: 2719289). For these reasons, this variant has been classified as Pathogenic.

Literature cited by the submitters: PubMed 21131972; PubMed 23255504.

NM_181426.2(CCDC39):c.1579C>T (p.Gln527Ter)

Gene: CCDC39 (coiled-coil domain 39 molecular ruler complex subunit; minus strand). Cytogenetic location: 3q26.33.
Variant type: single nucleotide variant.
Coding change: c.1579C>T on transcript NM_181426.2 (MANE Select); coding-DNA position 1579, C replaced by T.
Protein change: p.Gln527Ter; replaces glutamine 527 with a stop codon.
Molecular consequence: nonsense.
Genome position (GRCh38, 1-based): chr3:180,644,206, G>A on the plus strand (C>T on the coding strand, the complement: CCDC39 is on the minus strand). VCF-style: chr3-180644206-G-A. GRCh37 (hg19) VCF-style: chr3-180361994-G-A.
Other names: short protein forms Q527*.
Identifiers: ClinVar variation 2719289 (VCV002719289.3), dbSNP rs1168132298, ClinGen allele CA355309637.